The following is an entry in ClinVar:

ClinVar aggregate classification (germline): Uncertain significance (1 of 4 stars; one submission).

Submission:

Labcorp Genetics (formerly Invitae), Labcorp
Classification: Uncertain significance. Last evaluated: 2024-07-31. Review status: criteria provided, single submitter. Criteria: Invitae Variant Classification Sherloc (09022015). Collection method: clinical testing. Allele origin: germline.
Comment: This sequence change replaces alanine, which is neutral and non-polar, with serine, which is neutral and polar, at codon 54 of the RNF31 protein (p.Ala54Ser). This variant is not present in population databases (gnomAD no frequency). This variant has not been reported in the literature in individuals affected with RNF31-related conditions. An algorithm developed to predict the effect of missense changes on protein structure and function outputs the following: PolyPhen-2: "Benign". The serine amino acid residue is found in multiple mammalian species, which suggests that this missense change does not adversely affect protein function. In summary, the available evidence is currently insufficient to determine the role of this variant in disease. Therefore, it has been classified as a Variant of Uncertain Significance.

NM_017999.5(RNF31):c.160G>T (p.Ala54Ser)

Gene: RNF31 (ring finger protein 31; plus strand). Cytogenetic location: 14q12.
Variant type: single nucleotide variant.
Coding change: c.160G>T on transcript NM_017999.5 (MANE Select); coding-DNA position 160, G replaced by T.
Protein change: p.Ala54Ser; replaces alanine 54 with serine.
Molecular consequence: missense variant. On other transcripts: intron variant (1).
Genome position (GRCh38, 1-based): chr14:24,147,858, G>T. VCF-style: chr14-24147858-G-T. GRCh37 (hg19) VCF-style: chr14-24617067-G-T.
Other names: c.-325-118G>T (NM_001310332.2); short protein forms A54S.
Identifiers: ClinVar variation 3678667 (VCV003678667.2).